The following is an entry in ClinVar:

NM_015967.8(PTPN22):c.992+3G>A

Genes: AP4B1-AS1 (AP4B1 antisense RNA 1; plus strand), PTPN22 (protein tyrosine phosphatase non-receptor type 22; minus strand). Cytogenetic location: 1p13.2.
Variant type: single nucleotide variant.
Coding change: c.992+3G>A on transcript NM_015967.8 (MANE Select); 3 bases into the intron after coding-DNA position 992, G replaced by A.
Molecular consequence: intron variant.
Genome position (GRCh38, 1-based): chr1:113,838,541, C>T on the plus strand (G>A on the coding strand, the complement: PTPN22 is on the minus strand). VCF-style: chr1-113838541-C-T. GRCh37 (hg19) VCF-style: chr1-114381163-C-T.
Other names: c.920+3G>A (NM_001308297.2); c.827+3G>A (NM_012411.6); c.992+3G>A (NM_001193431.3).
Identifiers: ClinVar variation 3339444 (VCV003339444.1).

ClinVar aggregate classification (germline): Uncertain significance (1 of 4 stars; one submission).

Submission:

Women's Health and Genetics/Laboratory Corporation of America, LabCorp
Classification: Uncertain significance. Last evaluated: 2024-07-19. Review status: criteria provided, single submitter. Criteria: LabCorp Variant Classification Summary - May 2015. Collection method: clinical testing. Allele origin: germline.
Comment: Variant summary: PTPN22 c.992+3G>A alters a conserved nucleotide located close to a canonical splice site and therefore could affect mRNA splicing, leading to a significantly altered protein sequence. Consensus agreement among computation tools predict no significant impact on normal splicing. However, these predictions have yet to be confirmed by functional studies. The variant was absent in 249682 control chromosomes. The available data on variant occurrences in the general population are insufficient to allow any conclusion about variant significance. To our knowledge, no occurrence of c.992+3G>A in individuals affected with PTPN22-Related Disorders and no experimental evidence demonstrating its impact on protein function have been reported. No submitters have cited clinical-significance assessments for this variant to ClinVar. Based on the evidence outlined above, the variant was classified as uncertain significance.